The following is an entry in ClinVar:

NM_005359.6(SMAD4):c.217dup (p.Thr73fs)

Gene: SMAD4 (SMAD family member 4; plus strand). Cytogenetic location: 18q21.2.
Variant type: Duplication.
Coding change: c.217dup on transcript NM_005359.6 (MANE Select); coding-DNA position 217, one base duplicated (A; older notation c.217dupA).
Protein change: p.Thr73fs; shifts the reading frame from threonine 73.
Molecular consequence: frameshift variant.
Genome position (GRCh38, 1-based): chr18:51,047,263, A duplicated. VCF-style (leftmost placement, unchanged base first): chr18-51047262-T-TA. GRCh37 (hg19) VCF-style: chr18-48573632-T-TA.
Other names: short protein forms T73fs.
Identifiers: ClinVar variation 852419 (VCV000852419.7), dbSNP rs1909571836, ClinGen allele CA916081935.
Genomic context (GRCh38, chr18:51,047,262, plus strand): 5'-TGAATTGGATTCTTTAATAACAGCTATAACTACAAATGGAGCTCATCCTAGTAAATGTGT[T>TA]ACCATACAGAGAACATTGGATGGGAGGCTTCAGGTTAGTCTTATAAGAGTTTTTCTATAC-3'

ClinVar aggregate classification (germline): Pathogenic (1 of 4 stars; one submission).

Conditions:
Juvenile polyposis syndrome (JPS). Identifiers: Orphanet 2929, MedGen C0345893, MONDO:0017380, OMIM 174900.

Submission:

Labcorp Genetics (formerly Invitae), Labcorp
Classification: Pathogenic for Juvenile polyposis syndrome. Last evaluated: 2019-04-14. Review status: criteria provided, single submitter. Criteria: Invitae Variant Classification Sherloc (09022015). Collection method: clinical testing. Allele origin: germline.
Comment: This sequence change creates a premature translational stop signal (p.Thr73Asnfs*31) in the SMAD4 gene. It is expected to result in an absent or disrupted protein product. This variant is not present in population databases (ExAC no frequency). This variant has not been reported in the literature in individuals with SMAD4-related conditions. Loss-of-function variants in SMAD4 are known to be pathogenic (PMID: 16152648, 16436638, 22810475). For these reasons, this variant has been classified as Pathogenic.

Literature cited by the submitters: PubMed 16152648; PubMed 16436638; PubMed 22810475.